The following is an entry in ClinVar:

NM_001127208.3(TET2):c.2783T>C (p.Phe928Ser)

Genes: TET2 (tet methylcytosine dioxygenase 2; plus strand), TET2-AS1 (TET2 antisense RNA 1; minus strand). Cytogenetic location: 4q24.
Variant type: single nucleotide variant.
Coding change: c.2783T>C on transcript NM_001127208.3 (MANE Select); coding-DNA position 2783, T replaced by C.
Protein change: p.Phe928Ser; replaces phenylalanine 928 with serine.
Molecular consequence: missense variant.
Genome position (GRCh38, 1-based): chr4:105,236,725, T>C. VCF-style: chr4-105236725-T-C. GRCh37 (hg19) VCF-style: chr4-106157882-T-C.
Other names: c.2783T>C, p.Phe928Ser (NM_017628.4); short protein forms F928S.
Identifiers: ClinVar variation 1942257 (VCV001942257.3), dbSNP rs774526495, ClinGen allele CA3031953.
Genomic context (GRCh38, chr4:105,236,725, plus strand): 5'-GTCAACAAGCTGCGCAACTTGCTCAGCAAAGGTACTTGATACATAACCATGCAAATGTTT[T>C]TCCTGTGCCTGACCAGGGAGGAAGTCACACTCAGACCCCTCCCCAGAAGGACACTCAAAA-3'
Protein context (NP_001120680.1, residues 918-938): RYLIHNHANV[Phe928Ser]PVPDQGGSHT

ClinVar aggregate classification (germline): Uncertain significance. Review status: criteria provided, multiple submitters, no conflicts (2 of 4 stars). 2 submissions from 2 submitters: Uncertain significance (2). Last evaluated 2025-01-05.

Allele frequency attached by ClinVar (database versions not stated): gnomAD exomes below 0.00001; ExAC 0.00001.
gnomAD v4.1: 2 of 1,614,130 alleles (0.00012%); highest among the groups gnomAD compares: Admixed American, 0.0033%; no homozygotes.

Submissions (2):

Ambry Genetics
Classification: Uncertain significance. Last evaluated: 2025-01-05. Review status: criteria provided, single submitter. Criteria: Ambry Variant Classification Scheme 2023. Collection method: clinical testing. Allele origin: germline.
Comment: The p.F928S variant (also known as c.2783T>C), located in coding exon 1 of the TET2 gene, results from a T to C substitution at nucleotide position 2783. The phenylalanine at codon 928 is replaced by serine, an amino acid with highly dissimilar properties. This amino acid position is conserved. In addition, this alteration is predicted to be tolerated by in silico analysis. Based on the available evidence, the clinical significance of this variant remains unclear.

Labcorp Genetics (formerly Invitae), Labcorp
Classification: Uncertain significance. Last evaluated: 2022-06-17. Review status: criteria provided, single submitter. Criteria: Invitae Variant Classification Sherloc (09022015). Collection method: clinical testing. Allele origin: germline.
Comment: This sequence change replaces phenylalanine, which is neutral and non-polar, with serine, which is neutral and polar, at codon 928 of the TET2 protein (p.Phe928Ser). This variant is present in population databases (rs774526495, gnomAD 0.006%). This variant has not been reported in the literature in individuals affected with TET2-related conditions. Algorithms developed to predict the effect of missense changes on protein structure and function (SIFT, PolyPhen-2, Align-GVGD) all suggest that this variant is likely to be tolerated. In summary, the available evidence is currently insufficient to determine the role of this variant in disease. Therefore, it has been classified as a Variant of Uncertain Significance.